The following is an entry in ClinVar:

ClinVar aggregate classification (germline): Uncertain significance (1 of 4 stars; one submission).

Conditions:
NEK1-related disorder. Also called: NEK1-related condition.

gnomAD v4.1: 22 of 1,613,290 alleles (0.0014%); highest among the groups gnomAD compares: East Asian, 0.0022%; no homozygotes.

Submission:

PreventionGenetics, part of Exact Sciences
Classification: Uncertain significance for NEK1-related condition. Last evaluated: 2024-10-22. Review status: criteria provided, single submitter. Criteria: ACMG Guidelines, 2015. Collection method: clinical testing. Allele origin: germline.
Comment: The NEK1 c.272G>A variant is predicted to result in the amino acid substitution p.Arg91Gln. To our knowledge, this variant has not been reported in the literature. This variant is reported in 0.0056% of alleles in individuals of East Asian descent in gnomAD. At this time, the clinical significance of this variant is uncertain due to the absence of conclusive functional and genetic evidence.

NM_001199397.3(NEK1):c.272G>A (p.Arg91Gln)

Gene: NEK1 (NIMA related kinase 1; minus strand). Cytogenetic location: 4q33.
Variant type: single nucleotide variant.
Coding change: c.272G>A on transcript NM_001199397.3 (MANE Select); coding-DNA position 272, G replaced by A.
Protein change: p.Arg91Gln; replaces arginine 91 with glutamine.
Molecular consequence: missense variant. On other transcripts: intron variant (2).
Genome position (GRCh38, 1-based): chr4:169,599,140, C>T on the plus strand (G>A on the coding strand, the complement: NEK1 is on the minus strand). VCF-style: chr4-169599140-C-T. GRCh37 (hg19) VCF-style: chr4-170520291-C-T.
Other names: c.272G>A, p.Arg91Gln (NM_001199398.3, NM_001199399.3, NM_001199400.3 and 11 more transcripts); c.-310+2868G>A (NM_001440625.1, NM_001440624.1); short protein forms R91Q.
Identifiers: ClinVar variation 4990176 (VCV004990176.1).